The following is an entry in ClinVar:

ClinVar aggregate classification (germline): Uncertain significance (1 of 4 stars; one submission).

Conditions:
ANKRD26-related disorder. Also called: ANKRD26-related condition.

Submission:

PreventionGenetics, part of Exact Sciences
Classification: Uncertain significance for ANKRD26-related condition. Last evaluated: 2022-12-15. Review status: criteria provided, single submitter. Criteria: ACMG Guidelines, 2015. Collection method: clinical testing. Allele origin: germline.
Comment: The ANKRD26 c.4590_4591delinsAAT variant is predicted to result in a frameshift and premature protein termination (p.Lys1531Ilefs*6). To our knowledge, this variant has not been reported in the literature or in a large population database, indicating this variant is rare. Although we suspect that this variant may be pathogenic, at this time, the clinical significance of this variant is uncertain due to the absence of conclusive functional and genetic evidence.

NM_014915.3(ANKRD26):c.4590_4591delinsAAT (p.Lys1531fs)

Gene: ANKRD26 (ankyrin repeat domain containing 26; minus strand). Cytogenetic location: 10p12.1.
Variant type: Indel.
Coding change: c.4590_4591delinsAAT on transcript NM_014915.3 (MANE Select); coding-DNA positions 4590 to 4591, TA replaced by AAT.
Protein change: p.Lys1531fs; shifts the reading frame from lysine 1531.
Molecular consequence: frameshift variant.
Genome position (GRCh38, 1-based): chr10:27,014,627-27,014,628, TA replaced by ATT on the plus strand (TA replaced by AAT on the coding strand, the reverse complement: ANKRD26 is on the minus strand). VCF-style: chr10-27014627-TA-ATT. GRCh37 (hg19) VCF-style: chr10-27303556-TA-ATT.
Other names: c.4587_4588delinsAAT, p.Lys1530fs (NM_001256053.2); c.4590_4591delTAinsAAT, p.Lys1531Ilefs (NM_014915.2); short protein forms K1530fs, K1531fs.
Identifiers: ClinVar variation 2629759 (VCV002629759.1), dbSNP rs2538541406, ClinGen allele CA2695199462.